The following is an entry in ClinVar:

ClinVar aggregate classification (germline): Uncertain significance (1 of 4 stars; one submission).

Conditions:
Cardiovascular phenotype. Identifiers: MedGen CN230736.

Submission:

Ambry Genetics
Classification: Uncertain significance for Cardiovascular phenotype. Last evaluated: 2024-06-23. Review status: criteria provided, single submitter. Criteria: Ambry Variant Classification Scheme 2023. Collection method: clinical testing. Allele origin: germline.
Comment: The p.G68V variant (also known as c.203G>T), located in coding exon 3 of the PRKAG2 gene, results from a G to T substitution at nucleotide position 203. The glycine at codon 68 is replaced by valine, an amino acid with dissimilar properties. This amino acid position is conserved. In addition, this alteration is predicted to be tolerated by in silico analysis. Based on the available evidence, the clinical significance of this variant remains unclear.

NM_016203.4(PRKAG2):c.203G>T (p.Gly68Val)

Gene: PRKAG2 (protein kinase AMP-activated non-catalytic subunit gamma 2; minus strand). Cytogenetic location: 7q36.1.
Variant type: single nucleotide variant.
Coding change: c.203G>T on transcript NM_016203.4 (MANE Select); coding-DNA position 203, G replaced by T.
Protein change: p.Gly68Val; replaces glycine 68 with valine.
Molecular consequence: missense variant. On other transcripts: intron variant (1).
Genome position (GRCh38, 1-based): chr7:151,781,415, C>A on the plus strand (G>T on the coding strand, the complement: PRKAG2 is on the minus strand). VCF-style: chr7-151781415-C-A. GRCh37 (hg19) VCF-style: chr7-151478501-C-A.
Other names: c.71G>T, p.Gly24Val (NM_001040633.2, NM_001407024.1, NM_001407026.1 and 2 more transcripts); c.203G>T, p.Gly68Val (NM_001407021.1, NM_001407022.1, NM_001407023.1 and 2 more transcripts); c.148+33001G>T (NM_001407032.1); short protein forms G24V, G68V.
Identifiers: ClinVar variation 3309947 (VCV003309947.1).
Genomic context (GRCh38, chr7:151,781,415, plus strand): 5'-GGGCTGGAGGGCCGGGGCTGGGGGCCTCTGGAGAAGAACCCTTTGGAGGGGCTGCCCGGG[C>A]CGAAGGGGCTGTCCACCTGCAGAAAAACAGACGAATGGATGCAGTCACTCCACGCTCTGG-3'
Protein context (NP_057287.2, residues 58-78): HSSRKVDSPF[Gly68Val]PGSPSKGFFS